The following is an entry in ClinVar:

ClinVar aggregate classification (germline): Benign/Likely benign. Review status: criteria provided, multiple submitters, no conflicts (2 of 4 stars). 3 submissions from 3 submitters: Benign (1); Likely benign (1). 1 of the submissions does not count toward it. Last evaluated 2024-11-20.

Conditions:
LAMA1-related disorder. Also called: LAMA1-related disorders; LAMA1-related condition.

Allele frequency attached by ClinVar (database versions not stated): gnomAD exomes 0.00020 and 0.00085; gnomAD 0.00023 and 0.00032; TOPMed 0.00042; 1000 Genomes Project 0.00180; ExAC 0.00093; 1000 Genomes Project 30x 0.00141.
gnomAD v4.1: 340 of 1,598,342 alleles (0.021%); highest among the groups gnomAD compares: East Asian, 0.71%; 1 homozygote.

Submissions (3):

Blueprint Genetics
Classification: Likely benign. Last evaluated: 2024-11-20. Review status: criteria provided, single submitter. Criteria: ACMG Guidelines, 2015. Collection method: clinical testing. Allele origin: germline.

Labcorp Genetics (formerly Invitae), Labcorp
Classification: Benign. Last evaluated: 2023-09-10. Review status: criteria provided, single submitter. Criteria: Invitae Variant Classification Sherloc (09022015). Collection method: clinical testing. Allele origin: germline.

PreventionGenetics, part of Exact Sciences
Classification: Benign for LAMA1-related condition. Last evaluated: 2019-06-20. Review status: no assertion criteria provided. Collection method: clinical testing. Allele origin: germline. Not counted in ClinVar's aggregate classification.
Comment: This variant is classified as benign based on ACMG/AMP sequence variant interpretation guidelines (Richards et al. 2015 PMID: 25741868, with internal and published modifications).

NM_005559.4(LAMA1):c.53G>A (p.Arg18Gln)

Gene: LAMA1 (laminin subunit alpha 1; minus strand). Cytogenetic location: 18p11.31.
Variant type: single nucleotide variant.
Coding change: c.53G>A on transcript NM_005559.4 (MANE Select); coding-DNA position 53, G replaced by A.
Protein change: p.Arg18Gln; replaces arginine 18 with glutamine.
Molecular consequence: missense variant.
Genome position (GRCh38, 1-based): chr18:7,117,668, C>T on the plus strand (G>A on the coding strand, the complement: LAMA1 is on the minus strand). VCF-style: chr18-7117668-C-T. GRCh37 (hg19) VCF-style: chr18-7117667-C-T.
Other names: short protein forms R18Q.
Identifiers: ClinVar variation 713312 (VCV000713312.12), dbSNP rs182087823, ClinGen allele CA8883439.